The following is an entry in ClinVar:

ClinVar aggregate classification (germline): Likely pathogenic (1 of 4 stars; one submission).

Conditions:
Autosomal recessive limb-girdle muscular dystrophy type 2J (LGMDR10). Also called: Limb-girdle muscular dystrophy, type 2J; MUSCULAR DYSTROPHY, LIMB-GIRDLE, AUTOSOMAL RECESSIVE 10. Identifiers: Orphanet 140922, MedGen C1837342, MONDO:0012127, OMIM 608807.
Dilated cardiomyopathy 1G (CMD1G). Identifiers: Orphanet 154, MedGen C1858763, MONDO:0011400, OMIM 604145.

Submission:

Labcorp Genetics (formerly Invitae), Labcorp
Classification: Likely pathogenic for Dilated cardiomyopathy 1G; Autosomal recessive limb-girdle muscular dystrophy type 2J. Last evaluated: 2025-08-29. Review status: criteria provided, single submitter. Criteria: Invitae Variant Classification Sherloc (09022015). Collection method: clinical testing. Allele origin: germline.
Comment: This sequence change creates a premature translational stop signal (p.Arg14019Profs*3) in the TTN gene. While this is not anticipated to result in nonsense mediated decay, it is expected to create a truncated TTN protein. This variant is not present in population databases (gnomAD no frequency). This variant has not been reported in the literature in individuals affected with TTN-related conditions. This variant is located in the I band of TTN (PMID: 25589632). Truncating variants in this region have been reported in individuals affected with autosomal recessive centronuclear myopathy (PMID: 23975875, internal data). Truncating variants in this region have also been identified in individuals affected with autosomal dominant dilated cardiomyopathy and/or cardio-related conditions (PMID: 27869827, 32964742, internal data). In summary, the currently available evidence indicates that the variant is pathogenic, but additional data are needed to prove that conclusively. Therefore, this variant has been classified as Likely Pathogenic.

Literature cited by the submitters: PubMed 25589632; PubMed 23975875; PubMed 27869827; PubMed 32964742.

NM_001267550.2(TTN):c.42056del (p.Arg14019fs)

Gene: TTN (titin; minus strand). Cytogenetic location: 2q31.2.
Variant type: Deletion.
Coding change: c.42056del on transcript NM_001267550.2 (MANE Select); coding-DNA position 42056, one base deleted (G; older notation c.42056delG).
Protein change: p.Arg14019fs; shifts the reading frame from arginine 14019.
Molecular consequence: frameshift variant.
Genome position (GRCh38, 1-based): chr2:178,634,818, C deleted on the plus strand (G on the coding strand, the reverse complement: TTN is on the minus strand). VCF-style (leftmost placement, unchanged base first): chr2-178634817-GC-G. GRCh37 (hg19) VCF-style: chr2-179499544-GC-G.
Other names: c.37133del, p.Arg12378fs (NM_001256850.1); c.14861del, p.Arg4954fs (NM_003319.4); c.34352del, p.Arg11451fs (NM_133378.4); c.15236del, p.Arg5079fs (NM_133432.3); c.15437del, p.Arg5146fs (NM_133437.4); short protein forms R12378fs, R4954fs, R11451fs, R14019fs, R5079fs, R5146fs.
Identifiers: ClinVar variation 4785991 (VCV004785991.1).
Genomic context (GRCh38, chr2:178,634,817, plus strand): 5'-AAGGGCCTGGTAGAGGACTTCACCAGCTTGGTCCAGTTTGACTTTGTGCAAAGTTAAGAA[GC>G]GTTTTCCACCTTCTGCTTTGATTTCACAAGTCTGAAAAACAATAGTTTTAGTAACCATTT-3'